The following is an entry in ClinVar:

NM_001042545.2(LTBP4):c.68C>T (p.Pro23Leu)

Gene: LTBP4 (latent transforming growth factor beta binding protein 4; plus strand). Cytogenetic location: 19q13.2.
Variant type: single nucleotide variant.
Coding change: c.68C>T on transcript NM_001042545.2 (MANE Select); coding-DNA position 68, C replaced by T.
Protein change: p.Pro23Leu; replaces proline 23 with leucine.
Molecular consequence: missense variant. On other transcripts: intron variant (2).
Genome position (GRCh38, 1-based): chr19:40,601,455, C>T. VCF-style: chr19-40601455-C-T. GRCh37 (hg19) VCF-style: chr19-41107361-C-T.
Other names: c.340+1278C>T (NM_003573.2); c.451+1278C>T (NM_001042544.1); short protein forms P23L.
Identifiers: ClinVar variation 4534371 (VCV004534371.6).

ClinVar aggregate classification (germline): Uncertain significance (1 of 4 stars; one submission).

gnomAD v4.1: 5 of 1,481,768 alleles (0.00034%); highest among the groups gnomAD compares: South Asian, 0.0064%; no homozygotes.

Submission:

CeGaT Center for Human Genetics Tuebingen
Classification: Uncertain significance. Last evaluated: 2025-10-01. Review status: criteria provided, single submitter. Criteria: CeGaT Center For Human Genetics Tuebingen Variant Classification Criteria Version 2. Collection method: clinical testing. Allele origin: germline. Affected: yes. Observed: 1 variant allele.
Comment: LTBP4: PM2, BP4